The following is an entry in ClinVar:

ClinVar aggregate classification (germline): Uncertain significance. Review status: criteria provided, multiple submitters, no conflicts (2 of 4 stars). 2 submissions from 2 submitters: Uncertain significance (2). Last evaluated 2025-07-14.

Conditions:
Inborn genetic diseases. Identifiers: MedGen C0950123, MeSH D030342.

Allele frequency attached by ClinVar (database versions not stated): ExAC 0.00001; gnomAD exomes 0.00001; gnomAD 0.00002.

Submissions (2):

Ambry Genetics
Classification: Uncertain significance for Inborn genetic diseases. Last evaluated: 2025-07-14. Review status: criteria provided, single submitter. Criteria: Ambry Variant Classification Scheme 2023. Collection method: clinical testing. Allele origin: germline.

Labcorp Genetics (formerly Invitae), Labcorp
Classification: Uncertain significance. Last evaluated: 2022-11-15. Review status: criteria provided, single submitter. Criteria: Invitae Variant Classification Sherloc (09022015). Collection method: clinical testing. Allele origin: germline.
Comment: Algorithms developed to predict the effect of missense changes on protein structure and function are either unavailable or do not agree on the potential impact of this missense change (SIFT: "Deleterious"; PolyPhen-2: "Benign"; Align-GVGD: "Class C55"). In summary, the available evidence is currently insufficient to determine the role of this variant in disease. Therefore, it has been classified as a Variant of Uncertain Significance. This sequence change replaces threonine, which is neutral and polar, with serine, which is neutral and polar, at codon 4099 of the FAT4 protein (p.Thr4099Ser). This variant is present in population databases (rs774970899, gnomAD 0.01%). This variant has not been reported in the literature in individuals affected with FAT4-related conditions.

NM_001291303.3(FAT4):c.12301A>T (p.Thr4101Ser)

Gene: FAT4 (FAT atypical cadherin 4; plus strand). Cytogenetic location: 4q28.1.
Variant type: single nucleotide variant.
Coding change: c.12301A>T on transcript NM_001291303.3 (MANE Select); coding-DNA position 12301, A replaced by T.
Protein change: p.Thr4101Ser; replaces threonine 4101 with serine.
Molecular consequence: missense variant.
Genome position (GRCh38, 1-based): chr4:125,477,156, A>T. VCF-style: chr4-125477156-A-T. GRCh37 (hg19) VCF-style: chr4-126398311-A-T.
Other names: c.12301A>T, p.Thr4101Ser (NM_001291285.3); c.12295A>T, p.Thr4099Ser (NM_024582.6); c.12295A>T (NM_024582.4); short protein forms T4101S, T4099S.
Identifiers: ClinVar variation 1944736 (VCV001944736.7), dbSNP rs774970899, ClinGen allele CA3074066.